The following is an entry in ClinVar:

ClinVar aggregate classification (germline): Uncertain significance (1 of 4 stars; one submission).

Allele frequency attached by ClinVar (database versions not stated): gnomAD exomes below 0.00001.
gnomAD v4.1: 1 of 1,613,736 alleles (0.000062%); highest among the groups gnomAD compares: South Asian, 0.0011%; no homozygotes.

Submission:

Labcorp Genetics (formerly Invitae), Labcorp
Classification: Uncertain significance. Last evaluated: 2023-06-23. Review status: criteria provided, single submitter. Criteria: Invitae Variant Classification Sherloc (09022015). Collection method: clinical testing. Allele origin: germline.
Comment: In summary, the available evidence is currently insufficient to determine the role of this variant in disease. Therefore, it has been classified as a Variant of Uncertain Significance. Advanced modeling of protein sequence and biophysical properties (such as structural, functional, and spatial information, amino acid conservation, physicochemical variation, residue mobility, and thermodynamic stability) performed at Invitae indicates that this missense variant is not expected to disrupt STAG1 protein function. This variant has not been reported in the literature in individuals affected with STAG1-related conditions. This variant is not present in population databases (gnomAD no frequency). This sequence change replaces arginine, which is basic and polar, with glycine, which is neutral and non-polar, at codon 35 of the STAG1 protein (p.Arg35Gly).

NM_005862.3(STAG1):c.103A>G (p.Arg35Gly)

Gene: STAG1 (STAG1 cohesin complex component; minus strand). Cytogenetic location: 3q22.3.
Variant type: single nucleotide variant.
Coding change: c.103A>G on transcript NM_005862.3 (MANE Select); coding-DNA position 103, A replaced by G.
Protein change: p.Arg35Gly; replaces arginine 35 with glycine.
Molecular consequence: missense variant.
Genome position (GRCh38, 1-based): chr3:136,623,175, T>C on the plus strand (A>G on the coding strand, the complement: STAG1 is on the minus strand). VCF-style: chr3-136623175-T-C. GRCh37 (hg19) VCF-style: chr3-136342017-T-C.
Other names: short protein forms R35G.
Identifiers: ClinVar variation 2724975 (VCV002724975.3), dbSNP rs2472724624, ClinGen allele CA354745271.